The following is an entry in ClinVar:

NM_004991.4(MECOM):c.2772-4A>G

Gene: MECOM (MDS1 and EVI1 complex locus; minus strand). Cytogenetic location: 3q26.2.
Variant type: single nucleotide variant.
Coding change: c.2772-4A>G on transcript NM_004991.4 (MANE Select); 4 bases into the intron before coding-DNA position 2772, A replaced by G.
Molecular consequence: intron variant.
Genome position (GRCh38, 1-based): chr3:169,100,966, T>C on the plus strand (A>G on the coding strand, the complement: MECOM is on the minus strand). VCF-style: chr3-169100966-T-C. GRCh37 (hg19) VCF-style: chr3-168818754-T-C.
Other names: NM_005241.4:c.2208-4A>G; c.2208-4A>G (NM_001205194.2, NM_001366469.2, NM_001105078.4 and 1 more transcripts); c.1773-4A>G (NM_001366473.2); c.2745-4A>G (NM_001366466.2); c.1209-4A>G (NM_001366474.2); c.2181-4A>G (NM_001164000.2, NM_001366471.2, NM_001366472.2); c.2184-4A>G (NM_001366470.2, NM_001163999.2); c.2211-4A>G (NM_001366467.2, NM_001366468.2); and 1 more.
Identifiers: ClinVar variation 2500844 (VCV002500844.2), dbSNP rs2549269204, ClinGen allele CA2573332119.

ClinVar aggregate classification (germline): Likely pathogenic (1 of 4 stars; one submission).

Conditions:
Radioulnar synostosis with amegakaryocytic thrombocytopenia 2 (RUSAT2). Also called: RADIOULNAR SYNOSTOSIS AND AMEGAKARYOCYTIC THROMBOCYTOPENIA 2. Identifiers: Orphanet 71289, MedGen C4225221, MONDO:0014758, OMIM 616738.

Submission:

Broad Center for Mendelian Genomics, Broad Institute of MIT and Harvard
Classification: Likely pathogenic for Radioulnar synostosis with amegakaryocytic thrombocytopenia 2. Last evaluated: 2023-05-17. Review status: criteria provided, single submitter. Criteria: ACMG Guidelines, 2015. Collection method: curation. Allele origin: germline. Inheritance: Autosomal dominant inheritance.
Comment: Trio exome analysis showed this variant to be de novo. The c.2403-4A>G variant in MECOM has been previously reported in three individuals with radioulnar synostosis with amegakaryocytic thrombocytopenia 2 from one family and segregated with disease in this family (PMID: 35020829). This variant was absent from large population studies. RNA analysis performed on affected tissue shows evidence of altered splicing with an in-frame insertion of 3 nucleotides (PMID: 35020829). This variant is located in the 3' splice region. Computational tools do suggest an impact to splicing. However, this information is not predictive enough to determine pathogenicity. In summary, although additional studies are required to fully establish its clinical significance, this variant is likely pathogenic for autosomal dominant radioulnar synostosis with amegakaryocytic thrombocytopenia 2. ACMG/AMP Criteria applied: PS3_Moderate, PS4_Supporting, PS2_Moderate, PM2_Supporting, PP1 (Richards 2015).